The following is an entry in ClinVar:

ClinVar aggregate classification (germline): Uncertain significance. Review status: criteria provided, multiple submitters, no conflicts (2 of 4 stars). 2 submissions from 2 submitters: Uncertain significance (2). Last evaluated 2022-06-04.

Conditions:
Inborn genetic diseases. Identifiers: MedGen C0950123, MeSH D030342.

Allele frequency attached by ClinVar (database versions not stated): gnomAD 0.00002; ExAC 0.00007; gnomAD exomes 0.00007; TOPMed 0.00007; ESP Exome Variant Server 0.00008.

Submissions (2):

Labcorp Genetics (formerly Invitae), Labcorp
Classification: Uncertain significance. Last evaluated: 2022-06-04. Review status: criteria provided, single submitter. Criteria: Invitae Variant Classification Sherloc (09022015). Collection method: clinical testing. Allele origin: germline.
Comment: In summary, the available evidence is currently insufficient to determine the role of this variant in disease. Therefore, it has been classified as a Variant of Uncertain Significance. Algorithms developed to predict the effect of missense changes on protein structure and function output the following: SIFT: "Tolerated"; PolyPhen-2: "Benign"; Align-GVGD: "Class C0". The glutamine amino acid residue is found in multiple mammalian species, which suggests that this missense change does not adversely affect protein function. This variant has not been reported in the literature in individuals affected with POP1-related conditions. This variant is present in population databases (rs143956966, gnomAD 0.01%). This sequence change replaces arginine, which is basic and polar, with glutamine, which is neutral and polar, at codon 57 of the POP1 protein (p.Arg57Gln).

Ambry Genetics
Classification: Uncertain significance for Inborn genetic diseases. Last evaluated: 2022-05-26. Review status: criteria provided, single submitter. Criteria: Ambry Variant Classification Scheme 2023. Collection method: clinical testing. Allele origin: germline.

NM_001145860.2(POP1):c.170G>A (p.Arg57Gln)

Gene: POP1 (POP1 homolog, ribonuclease P/MRP subunit; plus strand). Cytogenetic location: 8q22.2.
Variant type: single nucleotide variant.
Coding change: c.170G>A on transcript NM_001145860.2 (MANE Select); coding-DNA position 170, G replaced by A.
Protein change: p.Arg57Gln; replaces arginine 57 with glutamine.
Molecular consequence: missense variant.
Genome position (GRCh38, 1-based): chr8:98,127,622, G>A. VCF-style: chr8-98127622-G-A. GRCh37 (hg19) VCF-style: chr8-99139850-G-A.
Other names: c.170G>A, p.Arg57Gln (NM_001145861.2, NM_015029.3); c.170G>A (NM_015029.2); short protein forms R57Q.
Identifiers: ClinVar variation 2190663 (VCV002190663.3), dbSNP rs143956966, ClinGen allele CA4820256.